The following is an entry in ClinVar:

NM_001379291.1(BRD4):c.2211+5A>T

Gene: BRD4 (bromodomain containing 4; minus strand). Cytogenetic location: 19p13.12.
Variant type: single nucleotide variant.
Coding change: c.2211+5A>T on transcript NM_001379291.1 (MANE Select); 5 bases into the intron after coding-DNA position 2211, A replaced by T.
Molecular consequence: intron variant.
Genome position (GRCh38, 1-based): chr19:15,244,705, T>A on the plus strand (A>T on the coding strand, the complement: BRD4 is on the minus strand). VCF-style: chr19-15244705-T-A. GRCh37 (hg19) VCF-style: chr19-15355516-T-A.
Other names: c.2211+5A>T (NM_058243.3).
Identifiers: ClinVar variation 2135859 (VCV002135859.4), dbSNP rs200422540, ClinGen allele CA9265046.

ClinVar aggregate classification (germline): Uncertain significance (1 of 4 stars; one submission).

gnomAD v4.1: 17 of 1,614,018 alleles (0.0011%); highest among the groups gnomAD compares: Non-Finnish European, 0.0014%; no homozygotes.

Submission:

Labcorp Genetics (formerly Invitae), Labcorp
Classification: Uncertain significance. Last evaluated: 2026-01-19. Review status: criteria provided, single submitter. Criteria: Invitae Variant Classification Sherloc (09022015). Collection method: clinical testing. Allele origin: germline.
Comment: This sequence change falls in intron 12 of the BRD4 gene. It does not directly change the encoded amino acid sequence of the BRD4 protein. It affects a nucleotide within the consensus splice site. This variant is present in population databases (rs200422540, gnomAD 0.002%). This variant has not been reported in the literature in individuals affected with BRD4-related conditions. ClinVar contains an entry for this variant (Variation ID: 2135859). Variants that disrupt the consensus splice site are a relatively common cause of aberrant splicing (PMID: 17576681, 9536098). Algorithms developed to predict the effect of sequence changes on RNA splicing suggest that this variant is not likely to affect RNA splicing. In summary, the available evidence is currently insufficient to determine the role of this variant in disease. Therefore, it has been classified as a Variant of Uncertain Significance.

Literature cited by the submitters: PubMed 17576681; PubMed 9536098.